The following is an entry in ClinVar:

NM_018648.4(NOP10):c.40_41delinsTG (p.Val14Cys)

Gene: NOP10 (NOP10 ribonucleoprotein; minus strand). Cytogenetic location: 15q14.
Variant type: Indel.
Coding change: c.40_41delinsTG on transcript NM_018648.4 (MANE Select); coding-DNA positions 40 to 41, GT replaced by TG.
Protein change: p.Val14Cys; replaces valine 14 with cysteine.
Molecular consequence: missense variant.
Genome position (GRCh38, 1-based): chr15:34,343,033-34,343,034, AC replaced by CA on the plus strand (GT replaced by TG on the coding strand, the reverse complement: NOP10 is on the minus strand). VCF-style: chr15-34343033-AC-CA. GRCh37 (hg19) VCF-style: chr15-34635234-AC-CA.
Other names: short protein forms V14C.
Identifiers: ClinVar variation 2724206 (VCV002724206.3), dbSNP rs2510095881, ClinGen allele CA2697554326.

ClinVar aggregate classification (germline): Uncertain significance (1 of 4 stars; one submission).

Conditions:
Dyskeratosis congenita, autosomal recessive 1. Identifiers: Orphanet 1775, MedGen C1857144, MONDO:0009136, OMIM 224230.

Submission:

Labcorp Genetics (formerly Invitae), Labcorp
Classification: Uncertain significance for Dyskeratosis congenita, autosomal recessive 1. Last evaluated: 2023-02-10. Review status: criteria provided, single submitter. Criteria: Invitae Variant Classification Sherloc (09022015). Collection method: clinical testing. Allele origin: germline.
Comment: This sequence change replaces valine, which is neutral and non-polar, with cysteine, which is neutral and slightly polar, at codon 14 of the NOP10 protein (p.Val14Cys). The frequency data for this variant in the population databases is considered unreliable, as metrics indicate poor data quality at this position in the gnomAD database. This variant has not been reported in the literature in individuals affected with NOP10-related conditions. An algorithm developed to predict the effect of missense changes on protein structure and function (PolyPhen-2) suggests that this variant is likely to be disruptive. In summary, the available evidence is currently insufficient to determine the role of this variant in disease. Therefore, it has been classified as a Variant of Uncertain Significance.